The following is an entry in ClinVar:

NM_006516.4(SLC2A1):c.*1587A>G

Gene: SLC2A1 (solute carrier family 2 member 1; minus strand). Cytogenetic location: 1p34.2.
Variant type: single nucleotide variant.
Coding change: c.*1587A>G on transcript NM_006516.4 (MANE Select); 1587 bases downstream of the stop codon, A replaced by G.
Molecular consequence: 3 prime UTR variant.
Genome position (GRCh38, 1-based): chr1:42,925,454, T>C on the plus strand (A>G on the coding strand, the complement: SLC2A1 is on the minus strand). VCF-style: chr1-42925454-T-C. GRCh37 (hg19) VCF-style: chr1-43391125-T-C.
Identifiers: ClinVar variation 297352 (VCV000297352.6), dbSNP rs140560514, ClinGen allele CA10610245.

ClinVar aggregate classification (germline): Benign. Review status: criteria provided, multiple submitters, no conflicts (2 of 4 stars). 3 submissions from 2 submitters: Benign (3). Last evaluated 2018-01-12.

Conditions:
Dystonia 9 (DYT9). Also called: CHOREOATHETOSIS, KINESIGENIC, WITH EPISODIC ATAXIA AND SPASTICITY. Identifiers: Orphanet 53583, MedGen C1832855, MONDO:0010983, OMIM 601042.
Encephalopathy due to GLUT1 deficiency. Also called: Classic Glucose Transporter Type 1 Deficiency Syndrome; GLUCOSE TRANSPORT DEFECT, BLOOD-BRAIN BARRIER; De Vivo disease; Glucose transporter protein syndrome; GLUT1 deficiency syndrome 1, infantile onset, severe; GLUT1 deficiency syndrome 1. Identifiers: Orphanet 71277, MedGen C4551966, MONDO:0011724, OMIM 606777.

Allele frequency attached by ClinVar (database versions not stated): 1000 Genomes Project 30x 0.00172; 1000 Genomes Project 0.00200; gnomAD 0.00366; TOPMed 0.00450.

Submissions (3):

Illumina Laboratory Services, Illumina
Classification: Benign for Dystonia 9. Last evaluated: 2018-01-12. Review status: criteria provided, single submitter. Criteria: ICSL Variant Classification Criteria 13 December 2019. Collection method: clinical testing. Allele origin: germline.
Comment: This variant was observed in the ICSL laboratory as part of a predisposition screen in an ostensibly healthy population. It had not been previously curated by ICSL or reported in the Human Gene Mutation Database (HGMD: prior to June 1st, 2018), and was therefore a candidate for classification through an automated scoring system. Utilizing variant allele frequency, disease prevalence and penetrance estimates, and inheritance mode, an automated score was calculated to assess if this variant is too frequent to cause the disease. Based on the score and internal cut-off values, a variant classified as benign is not then subjected to further curation. The score for this variant resulted in a classification of benign for this disease.

Illumina Laboratory Services, Illumina
Classification: Benign for Encephalopathy due to GLUT1 deficiency. Last evaluated: 2018-01-12. Review status: criteria provided, single submitter. Criteria: ICSL Variant Classification Criteria 13 December 2019. Collection method: clinical testing. Allele origin: germline.
Comment: the same text as in the submission from Illumina Laboratory Services, Illumina above.

Breakthrough Genomics
Classification: Benign. Review status: criteria provided, single submitter. Criteria: ACMG Guidelines, 2015. Collection method: not provided. Allele origin: germline. Inheritance: Autosomal dominant inheritance. Affected: yes.